The following is an entry in ClinVar:

ClinVar aggregate classification (germline): Benign/Likely benign. Review status: criteria provided, multiple submitters, no conflicts (2 of 4 stars). 5 submissions from 5 submitters: Benign (2); Likely benign (3). Last evaluated 2026-01-31.

Conditions:
Centromeric instability of chromosomes 1,9 and 16 and immunodeficiency (ICF1). Also called: IMMUNE DEFICIENCY, VARIABLE, WITH CENTROMERIC INSTABILITY OF CHROMOSOMES 1, 9, AND 16; IMMUNODEFICIENCY SYNDROME, VARIABLE; Immunodeficiency-centromeric instability-facial anomalies; CENTROMERIC INSTABILITY, IMMUNODEFICIENCY SYNDROME. Identifiers: Orphanet 2268, MedGen C0398788, MONDO:0000133.
Immunodeficiency-centromeric instability-facial anomalies syndrome 1 (ICF1). Identifiers: Orphanet 2268, MedGen C4551557, MONDO:0009454, OMIM 242860.
DNMT3B-related disorder. Also called: DNMT3B-related condition.

Allele frequency attached by ClinVar (database versions not stated): ESP Exome Variant Server 0.00008; gnomAD 0.00008 and 0.00026; TOPMed 0.00016; gnomAD exomes 0.00043 and 0.00093; ExAC 0.00114; 1000 Genomes Project 30x 0.00156; 1000 Genomes Project 0.00180.
gnomAD v4.1: 698 of 1,614,056 alleles (0.043%); highest among the groups gnomAD compares: South Asian, 0.54%; 4 homozygotes.

Submissions (5):

Labcorp Genetics (formerly Invitae), Labcorp
Classification: Benign for Centromeric instability of chromosomes 1,9 and 16 and immunodeficiency. Last evaluated: 2026-01-31. Review status: criteria provided, single submitter. Criteria: Invitae Variant Classification Sherloc (09022015). Collection method: clinical testing. Allele origin: germline.

PreventionGenetics, part of Exact Sciences
Classification: Likely benign for DNMT3B-related condition. Last evaluated: 2025-09-08. Review status: criteria provided, single submitter. Criteria: ACMG Guidelines, 2015. Collection method: clinical testing. Allele origin: germline.
Comment: This variant is classified as likely benign based on ACMG/AMP sequence variant interpretation guidelines (Richards et al. 2015 PMID: 25741868, with internal and published modifications).

Blueprint Genetics
Classification: Likely benign. Last evaluated: 2024-10-16. Review status: criteria provided, single submitter. Criteria: ACMG Guidelines, 2015. Collection method: clinical testing. Allele origin: germline.

CeGaT Center for Human Genetics Tuebingen
Classification: Likely benign. Last evaluated: 2024-10-01. Review status: criteria provided, single submitter. Criteria: CeGaT Center For Human Genetics Tuebingen Variant Classification Criteria Version 2. Collection method: clinical testing. Allele origin: germline. Affected: yes. Observed: 1 variant allele.
Comment: DNMT3B: BP4, BP7

Illumina Laboratory Services, Illumina
Classification: Benign for Immunodeficiency-centromeric instability-facial anomalies syndrome 1. Last evaluated: 2018-03-20. Review status: criteria provided, single submitter. Criteria: ICSL Variant Classification Criteria 13 December 2019. Collection method: clinical testing. Allele origin: germline.
Comment: This variant was observed in the ICSL laboratory as part of a predisposition screen in an ostensibly healthy population. It had not been previously curated by ICSL or reported in the Human Gene Mutation Database (HGMD: prior to June 1st, 2018), and was therefore a candidate for classification through an automated scoring system. Utilizing variant allele frequency, disease prevalence and penetrance estimates, and inheritance mode, an automated score was calculated to assess if this variant is too frequent to cause the disease. Based on the score and internal cut-off values, a variant classified as benign is not then subjected to further curation. The score for this variant resulted in a classification of benign for this disease.

NM_006892.4(DNMT3B):c.336C>T (p.Ser112=)

Gene: DNMT3B (DNA methyltransferase 3 beta; plus strand). Cytogenetic location: 20q11.21.
Variant type: single nucleotide variant.
Coding change: c.336C>T on transcript NM_006892.4 (MANE Select); coding-DNA position 336, C replaced by T.
Protein change: p.Ser112=; no amino-acid change (serine 112 retained).
Molecular consequence: synonymous variant. On other transcripts: intron variant (2).
Genome position (GRCh38, 1-based): chr20:32,786,531, C>T. VCF-style: chr20-32786531-C-T. GRCh37 (hg19) VCF-style: chr20-31374337-C-T.
Other names: c.336C>T, p.Ser112= (NM_175848.2, NM_175849.2); c.372C>T, p.Ser124= (NM_175850.3); c.307-699C>T (NM_001207055.2); c.205-699C>T (NM_001207056.2).
Identifiers: ClinVar variation 737007 (VCV000737007.30), dbSNP rs199763590, ClinGen allele CA9810154.